The following is an entry in ClinVar:

ClinVar aggregate classification (germline): Uncertain significance. Review status: criteria provided, multiple submitters, no conflicts (2 of 4 stars). 2 submissions from 2 submitters: Uncertain significance (2). Last evaluated 2024-08-28.

Conditions:
PUM1-related disorder. Also called: PUM1-related disorders; PUM1-related condition.
Inborn genetic diseases. Identifiers: MedGen C0950123, MeSH D030342.

Allele frequency attached by ClinVar (database versions not stated): gnomAD 0.00001; gnomAD exomes 0.00001; TOPMed 0.00001.
gnomAD v4.1: 10 of 1,613,884 alleles (0.00062%); highest among the groups gnomAD compares: Non-Finnish European, 0.00085%; no homozygotes.

Submissions (2):

Ambry Genetics
Classification: Uncertain significance for Inborn genetic diseases. Last evaluated: 2024-08-28. Review status: criteria provided, single submitter. Criteria: Ambry Variant Classification Scheme 2023. Collection method: clinical testing. Allele origin: germline.

PreventionGenetics, part of Exact Sciences
Classification: Uncertain significance for PUM1-related condition. Last evaluated: 2023-02-16. Review status: criteria provided, single submitter. Criteria: ACMG Guidelines, 2015. Collection method: clinical testing. Allele origin: germline.
Comment: The PUM1 c.1712C>T variant is predicted to result in the amino acid substitution p.Ala571Val. To our knowledge, this variant has not been reported in the literature or in a large population database, indicating this variant is rare. At this time, the clinical significance of this variant is uncertain due to the absence of conclusive functional and genetic evidence.

NM_001020658.2(PUM1):c.1712C>T (p.Ala571Val)

Gene: PUM1 (pumilio RNA binding family member 1; minus strand). Cytogenetic location: 1p35.2.
Variant type: single nucleotide variant.
Coding change: c.1712C>T on transcript NM_001020658.2 (MANE Select); coding-DNA position 1712, C replaced by T.
Protein change: p.Ala571Val; replaces alanine 571 with valine.
Molecular consequence: missense variant.
Genome position (GRCh38, 1-based): chr1:30,967,244, G>A on the plus strand (C>T on the coding strand, the complement: PUM1 is on the minus strand). VCF-style: chr1-30967244-G-A. GRCh37 (hg19) VCF-style: chr1-31440091-G-A.
Other names: c.1712C>T, p.Ala571Val (NM_014676.3); short protein forms A571V.
Identifiers: ClinVar variation 2635719 (VCV002635719.2), dbSNP rs1350534123, ClinGen allele CA339566755.